The following is an entry in ClinVar:

ClinVar aggregate classification (germline): Likely benign. Review status: criteria provided, single submitter (1 of 4 stars). 3 submissions from 3 submitters: Likely benign (1). 2 of the submissions do not count toward it. Last evaluated 2026-01-21.

Conditions:
CPT2-related disorder. Also called: CPT2-related condition.
Carnitine palmitoyltransferase II deficiency. Also called: Carnitine Palmitoyltransferase 2 Deficiency. Identifiers: Orphanet 157, MedGen C0342790, MONDO:0015515.

Allele frequency attached by ClinVar (database versions not stated): gnomAD 0.00014; TOPMed 0.00019.
gnomAD v4.1: 19 of 1,614,104 alleles (0.0012%); no homozygotes.

Submissions (3):

Labcorp Genetics (formerly Invitae), Labcorp
Classification: Likely benign for Carnitine palmitoyltransferase II deficiency. Last evaluated: 2026-01-21. Review status: criteria provided, single submitter. Criteria: Invitae Variant Classification Sherloc (09022015). Collection method: clinical testing. Allele origin: germline.

PreventionGenetics, part of Exact Sciences
Classification: Likely benign for CPT2-related condition. Last evaluated: 2022-01-04. Review status: no assertion criteria provided. Collection method: clinical testing. Allele origin: germline. Not counted in ClinVar's aggregate classification.
Comment: This variant is classified as likely benign based on ACMG/AMP sequence variant interpretation guidelines (Richards et al. 2015 PMID: 25741868, with internal and published modifications).

Natera, Inc.
Classification: Uncertain significance for Carnitine palmitoyltransferase II deficiency. Last evaluated: 2021-08-05. Review status: no assertion criteria provided. Collection method: clinical testing. Allele origin: germline. Not counted in ClinVar's aggregate classification.

NM_000098.3(CPT2):c.1914A>G (p.Gln638=)

Gene: CPT2 (carnitine palmitoyltransferase 2; plus strand). Cytogenetic location: 1p32.3.
Variant type: single nucleotide variant.
Coding change: c.1914A>G on transcript NM_000098.3 (MANE Select); coding-DNA position 1914, A replaced by G.
Protein change: p.Gln638=; no amino-acid change (glutamine 638 retained).
Molecular consequence: synonymous variant.
Genome position (GRCh38, 1-based): chr1:53,213,532, A>G. VCF-style: chr1-53213532-A-G. GRCh37 (hg19) VCF-style: chr1-53679204-A-G.
Other names: c.1914A>G (NM_000098.2); c.1845A>G, p.Gln615= (NM_001330589.2).
Identifiers: ClinVar variation 1025157 (VCV001025157.11), dbSNP rs903915351, ClinGen allele CA22642254.